The following is an entry in ClinVar:

NM_001385641.1(SAMD11):c.2228A>T (p.Glu743Val)

Gene: SAMD11 (sterile alpha motif domain containing 11; plus strand). Cytogenetic location: 1p36.33.
Variant type: single nucleotide variant.
Coding change: c.2228A>T on transcript NM_001385641.1 (MANE Select); coding-DNA position 2228, A replaced by T.
Protein change: p.Glu743Val; replaces glutamic acid 743 with valine.
Molecular consequence: missense variant.
Genome position (GRCh38, 1-based): chr1:943,747, A>T. VCF-style: chr1-943747-A-T. GRCh37 (hg19) VCF-style: chr1-879127-A-T.
Other names: c.1739A>T (NM_152486.2); c.2231A>T, p.Glu744Val (NM_001385640.1); c.1739A>T, p.Glu580Val (NM_152486.4); short protein forms E580V, E743V, E744V.
Identifiers: ClinVar variation 2421647 (VCV002421647.7), dbSNP rs372894077, ClinGen allele CA503260.

ClinVar aggregate classification (germline): Uncertain significance. Review status: criteria provided, multiple submitters, no conflicts (2 of 4 stars). 2 submissions from 2 submitters: Uncertain significance (2). Last evaluated 2024-03-21.

gnomAD v4.1: 8 of 1,609,252 alleles (0.0005%); highest among the groups gnomAD compares: East Asian, 0.0045%; no homozygotes.

Submissions (2):

Ambry Genetics
Classification: Uncertain significance. Last evaluated: 2024-03-21. Review status: criteria provided, single submitter. Criteria: Ambry Variant Classification Scheme 2023. Collection method: clinical testing. Allele origin: germline.

Labcorp Genetics (formerly Invitae), Labcorp
Classification: Uncertain significance. Last evaluated: 2022-11-05. Review status: criteria provided, single submitter. Criteria: Invitae Variant Classification Sherloc (09022015). Collection method: clinical testing. Allele origin: germline.
Comment: In summary, the available evidence is currently insufficient to determine the role of this variant in disease. Therefore, it has been classified as a Variant of Uncertain Significance. Algorithms developed to predict the effect of missense changes on protein structure and function are either unavailable or do not agree on the potential impact of this missense change (SIFT: "Deleterious"; PolyPhen-2: "Probably Damaging"; Align-GVGD: "Class C0"). This variant has not been reported in the literature in individuals affected with SAMD11-related conditions. This variant is present in population databases (rs372894077, gnomAD 0.02%). This sequence change replaces glutamic acid, which is acidic and polar, with valine, which is neutral and non-polar, at codon 580 of the SAMD11 protein (p.Glu580Val).